The following is an entry in ClinVar:

NM_000093.5(COL5A1):c.3583-4_3589dup

Gene: COL5A1 (collagen type V alpha 1 chain; plus strand). Cytogenetic location: 9q34.3.
Variant type: Duplication.
Coding change: c.3583-4_3589dup on transcript NM_000093.5 (MANE Select); 4 bases into the intron before coding-DNA position 3583 through coding-DNA position 3589, 11 bases duplicated (GCAGGGAGCTG).
Molecular consequence: splice acceptor variant.
Genome position (GRCh38, 1-based): chr9:134,811,488-134,811,498, GCAGGGAGCTG duplicated. VCF-style (leftmost placement, unchanged base first): chr9-134811487-T-TGCAGGGAGCTG. GRCh37 (hg19) VCF-style: chr9-137703333-T-TGCAGGGAGCTG.
Other names: c.3583-4_3589dup (NM_001278074.1).
Identifiers: ClinVar variation 4723121 (VCV004723121.1).

ClinVar aggregate classification (germline): Uncertain significance (1 of 4 stars; one submission).

Conditions:
Ehlers-Danlos syndrome, classic type, 1 (EDSCL1). Also called: EHLERS-DANLOS SYNDROME, GRAVIS TYPE; EHLERS-DANLOS SYNDROME, SEVERE CLASSIC TYPE; Ehlers-Danlos syndrome, type 1; Ehlers-Danlos Syndrome, Classic Type, COL5A1-Related; EDS I. Identifiers: MedGen C0268335, MONDO:0019567, OMIM 130000.

Submission:

Labcorp Genetics (formerly Invitae), Labcorp
Classification: Uncertain significance for Ehlers-Danlos syndrome, classic type, 1. Last evaluated: 2025-07-20. Review status: criteria provided, single submitter. Criteria: Invitae Variant Classification Sherloc (09022015). Collection method: clinical testing. Allele origin: germline.
Comment: This sequence change falls in intron 45 of the COL5A1 gene. It does not directly change the encoded amino acid sequence of the COL5A1 protein. This variant is not present in population databases (gnomAD no frequency). This variant has not been reported in the literature in individuals affected with COL5A1-related conditions. This variant is also known as p.Asp1197Glyfs*83. Experimental studies and prediction algorithms are not available or were not evaluated, and the effect of this variant on mRNA splicing is currently unknown. In summary, the available evidence is currently insufficient to determine the role of this variant in disease. Therefore, it has been classified as a Variant of Uncertain Significance.